The following is an entry in ClinVar:

ClinVar aggregate classification (germline): Uncertain significance (1 of 4 stars; one submission).

Submission:

Labcorp Genetics (formerly Invitae), Labcorp
Classification: Uncertain significance. Last evaluated: 2022-07-07. Review status: criteria provided, single submitter. Criteria: Invitae Variant Classification Sherloc (09022015). Collection method: clinical testing. Allele origin: germline.
Comment: In summary, the available evidence is currently insufficient to determine the role of this variant in disease. Therefore, it has been classified as a Variant of Uncertain Significance. Algorithms developed to predict the effect of missense changes on protein structure and function (SIFT, PolyPhen-2, Align-GVGD) all suggest that this variant is likely to be tolerated. This variant has not been reported in the literature in individuals affected with CTNNA1-related conditions. This variant is not present in population databases (gnomAD no frequency). This sequence change replaces leucine, which is neutral and non-polar, with isoleucine, which is neutral and non-polar, at codon 598 of the CTNNA1 protein (p.Leu598Ile).

NM_001903.5(CTNNA1):c.1792C>A (p.Leu598Ile)

Gene: CTNNA1 (catenin alpha 1; plus strand). Cytogenetic location: 5q31.2.
Variant type: single nucleotide variant.
Coding change: c.1792C>A on transcript NM_001903.5 (MANE Select); coding-DNA position 1792, C replaced by A.
Protein change: p.Leu598Ile; replaces leucine 598 with isoleucine.
Molecular consequence: missense variant.
Genome position (GRCh38, 1-based): chr5:138,925,300, C>A. VCF-style: chr5-138925300-C-A. GRCh37 (hg19) VCF-style: chr5-138260989-C-A.
Other names: c.682C>A, p.Leu228Ile (NM_001323989.1, NM_001323990.1, NM_001323991.1 and 17 more transcripts); c.1792C>A, p.Leu598Ile (NM_001290307.3, NM_001323982.2, NM_001323983.1 and 2 more transcripts); c.1483C>A, p.Leu495Ile (NM_001290309.3); c.1423C>A, p.Leu475Ile (NM_001290310.3); c.1699C>A, p.Leu567Ile (NM_001323986.2); c.343C>A, p.Leu115Ile (NM_001324006.1, NM_001324007.1, NM_001324008.1 and 2 more transcripts); c.589C>A, p.Leu197Ile (NM_001324011.1); c.439C>A, p.Leu147Ile (NM_001324012.1, NM_001324013.1); short protein forms L147I, L567I, L598I, L475I, L115I, L228I, L495I, L197I.
Identifiers: ClinVar variation 2012056 (VCV002012056.4), dbSNP rs2533733215, ClinGen allele CA361132214.